The following is an entry in ClinVar:

ClinVar aggregate classification (germline): Uncertain significance. Review status: criteria provided, multiple submitters, no conflicts (2 of 4 stars). 2 submissions from 2 submitters: Uncertain significance (2). Last evaluated 2023-08-16.

Conditions:
DiGeorge syndrome. Also called: THIRD AND FOURTH PHARYNGEAL POUCH SYNDROME; Catch22. Identifiers: Orphanet 567, MedGen C0012236, MONDO:0008564, OMIM 188400.

Submissions (2):

Labcorp Genetics (formerly Invitae), Labcorp
Classification: Uncertain significance for DiGeorge syndrome. Last evaluated: 2023-08-16. Review status: criteria provided, single submitter. Criteria: Invitae Variant Classification Sherloc (09022015). Collection method: clinical testing. Allele origin: germline.
Comment: In summary, the available evidence is currently insufficient to determine the role of this variant in disease. Therefore, it has been classified as a Variant of Uncertain Significance. ClinVar contains an entry for this variant (Variation ID: 1345017). This variant has not been reported in the literature in individuals affected with TBX1-related conditions. This variant is present in population databases (rs760701410, gnomAD 0.03%). This variant, c.1416_1424dup, results in the insertion of 3 amino acid(s) of the TBX1 protein (p.Ala474_Ala476dup), but otherwise preserves the integrity of the reading frame.

GeneDx
Classification: Uncertain significance. Last evaluated: 2022-03-16. Review status: criteria provided, single submitter. Criteria: GeneDx Variant Classification Process June 2021. Collection method: clinical testing. Allele origin: germline. Affected: yes.
Comment: In-frame insertion of 3 amino acids in a non-repeat region; Not observed in large population cohorts (gnomAD); Has not been previously published as pathogenic or benign to our knowledge

NM_001379200.1(TBX1):c.1443_1451dup (p.Ala483_Ala485dup)

Gene: TBX1 (T-box transcription factor 1; plus strand). Cytogenetic location: 22q11.21.
Variant type: Duplication.
Coding change: c.1443_1451dup on transcript NM_001379200.1 (MANE Select); coding-DNA positions 1443 to 1451, 9 bases duplicated (TGCCGCGGC; older notation c.1443_1451dupTGCCGCGGC).
Protein change: p.Ala483_Ala485dup.
Molecular consequence: inframe insertion. On other transcripts: intron variant (2).
Genome position (GRCh38, 1-based): chr22:19,766,795-19,766,803, TGCCGCGGC duplicated; duplicating any 9 consecutive bases within chr22:19,766,793-19,766,803 gives the same sequence; the c. name uses the placement nearest the transcript's 3' end. VCF-style (leftmost placement, unchanged base first): chr22-19766792-A-AGCTGCCGCG. GRCh37 (hg19) VCF-style: chr22-19754315-A-AGCTGCCGCG.
Other names: c.1416_1424dup, p.Ala474_Ala476dup (NM_080647.1); c.1009+793_1009+801dup (NM_005992.1, NM_080646.2).
Identifiers: ClinVar variation 1345017 (VCV001345017.5), dbSNP rs760701410, ClinGen allele CA10102767.